The following is an entry in ClinVar:

NM_002382.5(MAX):c.28G>A (p.Glu10Lys)

Genes: MAX (MYC associated transcriptional regulator X; minus strand), LOC130055850 (ATAC-STARR-seq lymphoblastoid silent region 5847; plus strand). Cytogenetic location: 14q23.3.
Variant type: single nucleotide variant.
Coding change: c.28G>A on transcript NM_002382.5 (MANE Select); coding-DNA position 28, G replaced by A.
Protein change: p.Glu10Lys; replaces glutamic acid 10 with lysine.
Molecular consequence: missense variant. On other transcripts: 5 prime UTR variant (2), intron variant (2).
Genome position (GRCh38, 1-based): chr14:65,102,312, C>T on the plus strand (G>A on the coding strand, the complement: MAX is on the minus strand). VCF-style: chr14-65102312-C-T. GRCh37 (hg19) VCF-style: chr14-65569030-C-T.
Other names: c.-220G>A (NM_001407107.1); c.28G>A, p.Glu10Lys (NM_001407108.1, NM_001407109.1, NM_001407110.1 and 18 more transcripts); c.-305+197G>A (NM_001407112.1); c.-239+197G>A (NM_001407106.1); c.-247G>A (NM_001320415.2); short protein forms E10K.
Identifiers: ClinVar variation 3222155 (VCV003222155.1), dbSNP rs2139976890, ClinGen allele CA390038962.

ClinVar aggregate classification (germline): Uncertain significance (1 of 4 stars; one submission).

Conditions:
Hereditary cancer-predisposing syndrome. Also called: Tumor predisposition; Hereditary neoplastic syndrome; Hereditary Cancer Syndrome; Neoplastic Syndromes, Hereditary. Identifiers: Orphanet 140162, MedGen C0027672, MeSH D009386, MONDO:0015356.

Submission:

Ambry Genetics
Classification: Uncertain significance for Hereditary cancer-predisposing syndrome. Last evaluated: 2023-09-25. Review status: criteria provided, single submitter. Criteria: Ambry Variant Classification Scheme 2023. Collection method: clinical testing. Allele origin: germline.
Comment: The p.E10K variant (also known as c.28G>A), located in coding exon 1 of the MAX gene, results from a G to A substitution at nucleotide position 28. The glutamic acid at codon 10 is replaced by lysine, an amino acid with similar properties. This amino acid position is well conserved in available vertebrate species. In addition, the in silico prediction for this alteration is inconclusive. Since supporting evidence is limited at this time, the clinical significance of this alteration remains unclear.